The following is an entry in ClinVar:

NM_001044.5(SLC6A3):c.1032-1G>C

Gene: SLC6A3 (solute carrier family 6 member 3). Cytogenetic location: 5p15.33.
Variant type: single nucleotide variant.
Coding change: c.1032-1G>C on transcript NM_001044.5 (MANE Select); the canonical splice acceptor site of the intron before coding-DNA position 1032, G replaced by C.
Molecular consequence: splice acceptor variant.
Genome position (GRCh38, 1-based): chr5:1,414,816, C>G on the plus strand (G>C on the coding strand, the complement: SLC6A3 is on the minus strand). VCF-style: chr5-1414816-C-G. GRCh37 (hg19) VCF-style: chr5-1414931-C-G.
Identifiers: ClinVar variation 3662870 (VCV003662870.2).

ClinVar aggregate classification (germline): Likely pathogenic (1 of 4 stars; one submission).

Conditions:
Parkinsonism-dystonia, infantile. Identifiers: Orphanet 238455, MedGen C2751067, MONDO:0013150.

Submission:

Labcorp Genetics (formerly Invitae), Labcorp
Classification: Likely pathogenic for Parkinsonism-dystonia, infantile. Last evaluated: 2024-08-31. Review status: criteria provided, single submitter. Criteria: Invitae Variant Classification Sherloc (09022015). Collection method: clinical testing. Allele origin: germline.
Comment: This sequence change affects an acceptor splice site in intron 7 of the SLC6A3 gene. It is expected to disrupt RNA splicing. Variants that disrupt the donor or acceptor splice site typically lead to a loss of protein function (PMID: 16199547), and loss-of-function variants in SLC6A3 are known to be pathogenic (PMID: 21112253). This variant is not present in population databases (gnomAD no frequency). This variant has not been reported in the literature in individuals affected with SLC6A3-related conditions. Algorithms developed to predict the effect of sequence changes on RNA splicing suggest that this variant may disrupt the consensus splice site. In summary, the currently available evidence indicates that the variant is pathogenic, but additional data are needed to prove that conclusively. Therefore, this variant has been classified as Likely Pathogenic.

Literature cited by the submitters: PubMed 16199547; PubMed 21112253.